The following is an entry in ClinVar:

NM_001374353.1(GLI2):c.2956G>T (p.Asp986Tyr)

Gene: GLI2 (GLI family zinc finger 2; plus strand). Cytogenetic location: 2q14.2.
Variant type: single nucleotide variant.
Coding change: c.2956G>T on transcript NM_001374353.1 (MANE Select); coding-DNA position 2956, G replaced by T.
Protein change: p.Asp986Tyr; replaces aspartic acid 986 with tyrosine.
Molecular consequence: missense variant.
Genome position (GRCh38, 1-based): chr2:120,988,921, G>T. VCF-style: chr2-120988921-G-T. GRCh37 (hg19) VCF-style: chr2-121746497-G-T.
Other names: c.3007G>T, p.Asp1003Tyr (NM_001371271.1, NM_005270.5); c.2581G>T, p.Asp861Tyr (NM_001374354.1); short protein forms D1003Y, D861Y, D986Y.
Identifiers: ClinVar variation 4783086 (VCV004783086.1).

ClinVar aggregate classification (germline): Uncertain significance (1 of 4 stars; one submission).

Conditions:
Holoprosencephaly 9 (HPE9). Also called: HOLOPROSENCEPHALY WITH MICROPHTHALMIA AND FIRST BRANCHIAL ARCH ANOMALIES; PITUITARY ANOMALIES WITH HOLOPROSENCEPHALY-LIKE FEATURES. Identifiers: Orphanet 2162, MedGen C1835819, MONDO:0012563, OMIM 610829.
Postaxial polydactyly-anterior pituitary anomalies-facial dysmorphism syndrome. Also called: Culler-Jones syndrome. Identifiers: Orphanet 420584, MedGen C4014479, MONDO:0014369, OMIM 615849.

gnomAD v4.1: 1 of 1,520,824 alleles (0.000066%); highest among the groups gnomAD compares: South Asian, 0.0012%; no homozygotes.

Submission:

Labcorp Genetics (formerly Invitae), Labcorp
Classification: Uncertain significance for Postaxial polydactyly-anterior pituitary anomalies-facial dysmorphism syndrome; Holoprosencephaly 9. Last evaluated: 2025-12-11. Review status: criteria provided, single submitter. Criteria: Invitae Variant Classification Sherloc (09022015). Collection method: clinical testing. Allele origin: germline.
Comment: This sequence change replaces aspartic acid, which is acidic and polar, with tyrosine, which is neutral and polar, at codon 1003 of the GLI2 protein (p.Asp1003Tyr). The frequency data for this variant in the population databases is considered unreliable, as metrics indicate poor data quality at this position in the gnomAD database. This variant has not been reported in the literature in individuals affected with GLI2-related conditions. Invitae Evidence Modeling of protein sequence and biophysical properties (such as structural, functional, and spatial information, amino acid conservation, physicochemical variation, residue mobility, and thermodynamic stability) indicates that this missense variant is expected to disrupt GLI2 protein function with a positive predictive value of 80%. In summary, the available evidence is currently insufficient to determine the role of this variant in disease. Therefore, it has been classified as a Variant of Uncertain Significance.